The following is an entry in ClinVar:

NM_022829.6(SLC13A3):c.1720G>A (p.Gly574Ser)

Gene: SLC13A3 (solute carrier family 13 member 3; minus strand). Cytogenetic location: 20q13.12.
Variant type: single nucleotide variant.
Coding change: c.1720G>A on transcript NM_022829.6 (MANE Select); coding-DNA position 1720, G replaced by A.
Protein change: p.Gly574Ser; replaces glycine 574 with serine.
Molecular consequence: missense variant.
Genome position (GRCh38, 1-based): chr20:46,560,111, C>T on the plus strand (G>A on the coding strand, the complement: SLC13A3 is on the minus strand). VCF-style: chr20-46560111-C-T. GRCh37 (hg19) VCF-style: chr20-45188750-C-T.
Other names: c.1579G>A, p.Gly527Ser (NM_001011554.3); c.1570G>A, p.Gly524Ser (NM_001193339.2); c.1474G>A, p.Gly492Ser (NM_001193340.2); c.1426G>A, p.Gly476Ser (NM_001193342.2); short protein forms G492S, G574S, G476S, G524S, G527S.
Identifiers: ClinVar variation 1902006 (VCV001902006.5), dbSNP rs751088551, ClinGen allele CA9891168.
Genomic context (GRCh38, chr20:46,560,111, plus strand): 5'-AGGTGGGTGGCAATGCTGTGACATTGACCGAGTACATATCAGCCCAGTCCGGGAAGGTGC[C>T]CAGCTGGAAGATGGTCTGTGCCCAGGTATTCATAGCCAAACTGAGCAGCAGGACACCCAT-3'
Protein context (NP_073740.2, residues 564-584): NTWAQTIFQL[Gly574Ser]TFPDWADMYS

ClinVar aggregate classification (germline): Uncertain significance (1 of 4 stars; one submission).

Allele frequency attached by ClinVar (database versions not stated): gnomAD 0.00004; ExAC 0.00005; gnomAD exomes 0.00005; TOPMed 0.00007.

Submission:

Labcorp Genetics (formerly Invitae), Labcorp
Classification: Uncertain significance. Last evaluated: 2022-08-21. Review status: criteria provided, single submitter. Criteria: Invitae Variant Classification Sherloc (09022015). Collection method: clinical testing. Allele origin: germline.
Comment: In summary, the available evidence is currently insufficient to determine the role of this variant in disease. Therefore, it has been classified as a Variant of Uncertain Significance. Algorithms developed to predict the effect of missense changes on protein structure and function (SIFT, PolyPhen-2, Align-GVGD) all suggest that this variant is likely to be tolerated. This variant has not been reported in the literature in individuals affected with SLC13A3-related conditions. This variant is present in population databases (rs751088551, gnomAD 0.1%), and has an allele count higher than expected for a pathogenic variant. This sequence change replaces glycine, which is neutral and non-polar, with serine, which is neutral and polar, at codon 574 of the SLC13A3 protein (p.Gly574Ser).